The following is an entry in ClinVar:

NM_015107.3(PHF8):c.122dup (p.Ala42fs)

Gene: PHF8 (PHD finger protein 8; minus strand). Cytogenetic location: Xp11.22.
Variant type: Duplication.
Coding change: c.122dup on transcript NM_015107.3 (MANE Select); coding-DNA position 122, one base duplicated (A; older notation c.122dupA).
Protein change: p.Ala42fs; shifts the reading frame from alanine 42.
Molecular consequence: frameshift variant.
Genome position (GRCh38, 1-based): chrX:54,022,820, T duplicated on the plus strand (A on the coding strand, the reverse complement: PHF8 is on the minus strand); the first of 2 consecutive T bases (chrX:54,022,820-54,022,821); duplicating either gives the same sequence. VCF-style (leftmost placement, unchanged base first): chrX-54022819-C-CT. GRCh37 (hg19) VCF-style: chrX-54049252-C-CT.
Other names: c.230dup, p.Ala78fs (NM_001184896.1); c.122dup, p.Ala42fs (NM_001184897.2, NM_001184898.2); c.122dupA (NM_015107.2); short protein forms A78fs, A42fs.
Identifiers: ClinVar variation 451824 (VCV000451824.2), dbSNP rs1557110385, ClinGen allele CA658658991.
Genomic context (GRCh38, chrX:54,022,819, plus strand): 5'-AATGGAGGGCCCATGCAAGACTTCACAGTTGGGGCAGTGGTAGAGGTCAATGTCAGCAGC[C>CT]TTCTCCTCTTCAACACCAACACAACTGAAAAAGAGAAAAACAGCCAAGGTTTATGGAAAT-3'

ClinVar aggregate classification (germline): Pathogenic (1 of 4 stars; one submission).

Submission:

GeneDx
Classification: Pathogenic. Last evaluated: 2018-12-12. Review status: criteria provided, single submitter. Criteria: GeneDx Variant Classification (06012015). Collection method: clinical testing. Allele origin: germline. Affected: yes.
Comment: The c.122dupA variant in the PHF8 gene has not been reported previously as a pathogenic variant nor as a benign variant, to our knowledge. The c.122dupA variant causes a frameshift starting with codon Alanine 42, changes this amino acid to a Glycine residue, and creates a premature Stop codon at position 3 of the new reading frame, denoted p.A42GfsX3. This variant is predicted to cause loss of normal protein function either through protein truncation or nonsense-mediated mRNA decay. The c.122dupA variant is not observed in large population cohorts (Lek et al., 2016; 1000 Genomes Consortium et al., 2015; Exome Variant Server). We interpret c.122dupA as a pathogenic variant